The following is an entry in ClinVar:

NM_001111067.4(ACVR1):c.1138C>T (p.Arg380Cys)

Gene: ACVR1 (activin A receptor type 1; minus strand). Cytogenetic location: 2q24.1.
Variant type: single nucleotide variant.
Coding change: c.1138C>T on transcript NM_001111067.4 (MANE Select); coding-DNA position 1138, C replaced by T.
Protein change: p.Arg380Cys; replaces arginine 380 with cysteine.
Molecular consequence: missense variant.
Genome position (GRCh38, 1-based): chr2:157,761,006, G>A on the plus strand (C>T on the coding strand, the complement: ACVR1 is on the minus strand). VCF-style: chr2-157761006-G-A. GRCh37 (hg19) VCF-style: chr2-158617518-G-A.
Other names: c.1138C>T, p.Arg380Cys (NM_001105.5, NM_001347663.1, NM_001347664.1 and 3 more transcripts); short protein forms R380C.
Identifiers: ClinVar variation 3692570 (VCV003692570.2).
Genomic context (GRCh38, chr2:157,761,006, plus strand): 5'-TATAAGAATCGAAACAATCCACCTGGATGGTTTCATCTAGAACTTCGGGGGCCATGTAGC[G>A]CTTGGTGCCCACACGGGGATTGTTCCCCACATCAAGCTGATTGGTGCTCTGGGAATGCAT-3'
Protein context (NP_001104537.1, residues 370-390): VGNNPRVGTK[Arg380Cys]YMAPEVLDET

ClinVar aggregate classification (germline): Uncertain significance (1 of 4 stars; one submission).

gnomAD v4.1: 1 of 1,614,110 alleles (0.000062%); highest among the groups gnomAD compares: Non-Finnish European, 0.000085%; no homozygotes.

Submission:

Labcorp Genetics (formerly Invitae), Labcorp
Classification: Uncertain significance. Last evaluated: 2025-08-09. Review status: criteria provided, single submitter. Criteria: Invitae Variant Classification Sherloc (09022015). Collection method: clinical testing. Allele origin: germline.
Comment: This sequence change replaces arginine, which is basic and polar, with cysteine, which is neutral and slightly polar, at codon 380 of the ACVR1 protein (p.Arg380Cys). This variant is present in population databases (no rsID available, gnomAD 0.0009%). This variant has not been reported in the literature in individuals affected with ACVR1-related conditions. ClinVar contains an entry for this variant (Variation ID: 3692570). An algorithm developed to predict the effect of missense changes on protein structure and function (PolyPhen-2) suggests that this variant is likely to be disruptive. In summary, the available evidence is currently insufficient to determine the role of this variant in disease. Therefore, it has been classified as a Variant of Uncertain Significance.